The following is an entry in ClinVar:

ClinVar aggregate classification (germline): Uncertain significance. Review status: criteria provided, multiple submitters, no conflicts (2 of 4 stars). 2 submissions from 2 submitters: Uncertain significance (2). Last evaluated 2025-04-12.

Conditions:
Hereditary cancer-predisposing syndrome. Also called: Tumor predisposition; Hereditary neoplastic syndrome; Neoplastic Syndromes, Hereditary; Hereditary Cancer Syndrome. Identifiers: Orphanet 140162, MedGen C0027672, MeSH D009386, MONDO:0015356.
Breast-ovarian cancer, familial, susceptibility to, 5 (BROVCA5). Identifiers: MedGen C5830615, MONDO:0957530, OMIM 620442.

Submissions (2):

Ambry Genetics
Classification: Uncertain significance for Hereditary cancer-predisposing syndrome. Last evaluated: 2025-04-12. Review status: criteria provided, single submitter. Criteria: Ambry Variant Classification Scheme 2023. Collection method: clinical testing. Allele origin: germline.
Comment: The p.I84T variant (also known as c.251T>C), located in coding exon 4 of the PALB2 gene, results from a T to C substitution at nucleotide position 251. The isoleucine at codon 84 is replaced by threonine, an amino acid with similar properties. This amino acid position is conserved. In addition, this alteration is predicted to be tolerated by in silico analysis. Based on the available evidence, the clinical significance of this variant remains unclear.

Dr. med. U. Finckh, Human Genetics, Eurofins MVZ
Classification: Uncertain significance for Breast-ovarian cancer, familial, susceptibility to, 5. Last evaluated: 2022-03-16. Review status: criteria provided, single submitter. Criteria: ACMG Guidelines, 2015. Collection method: clinical testing. Allele origin: unknown. Observed: 1 heterozygote.
Comment: The variant is not present in gnomAD. Prediction algorithms are not suggestive of a damaging effect. Internal data: co-occurrence with a pathogenic BRCA2 variant. The variant is classified as VUS (with tendency towards likely benign).

NM_024675.4(PALB2):c.251T>C (p.Ile84Thr)

Gene: PALB2 (partner and localizer of BRCA2; minus strand). Cytogenetic location: 16p12.2.
Variant type: single nucleotide variant.
Coding change: c.251T>C on transcript NM_024675.4 (MANE Select); coding-DNA position 251, T replaced by C.
Protein change: p.Ile84Thr; replaces isoleucine 84 with threonine.
Molecular consequence: missense variant. On other transcripts: 5 prime UTR variant (8), intron variant (3).
Genome position (GRCh38, 1-based): chr16:23,636,295, A>G on the plus strand (T>C on the coding strand, the complement: PALB2 is on the minus strand). VCF-style: chr16-23636295-A-G. GRCh37 (hg19) VCF-style: chr16-23647616-A-G.
Other names: c.191T>C, p.Ile64Thr (NM_001407296.1); c.251T>C, p.Ile84Thr (NM_001407297.1, NM_001407298.1, NM_001407299.1 and 3 more transcripts); c.-635T>C (NM_001407304.1, NM_001407305.1, NM_001407306.1 and 5 more transcripts); c.48+4815T>C (NM_001407314.1); c.-105+4815T>C (NM_001407313.1, NM_001407312.1); short protein forms I64T, I84T.
Identifiers: ClinVar variation 2580957 (VCV002580957.3), dbSNP rs1967059657, ClinGen allele CA395138904.